The following is an entry in ClinVar:

NM_004839.4(HOMER2):c.626A>G (p.Asp209Gly)

Gene: HOMER2 (homer scaffold protein 2; minus strand). Cytogenetic location: 15q25.2.
Variant type: single nucleotide variant.
Coding change: c.626A>G on transcript NM_004839.4 (MANE Select); coding-DNA position 626, A replaced by G.
Protein change: p.Asp209Gly; replaces aspartic acid 209 with glycine.
Molecular consequence: missense variant.
Genome position (GRCh38, 1-based): chr15:82,854,669, T>C on the plus strand (A>G on the coding strand, the complement: HOMER2 is on the minus strand). VCF-style: chr15-82854669-T-C. GRCh37 (hg19) VCF-style: chr15-83523421-T-C.
Other names: c.659A>G, p.Asp220Gly (NM_199330.3); short protein forms D209G, D220G.
Identifiers: ClinVar variation 4891348 (VCV004891348.1).

ClinVar aggregate classification (germline): Uncertain significance (1 of 4 stars; one submission).

gnomAD v4.1: 1 of 1,612,904 alleles (0.000062%); highest among the groups gnomAD compares: African/African-American, 0.0013%; no homozygotes.

Submission:

GeneDx
Classification: Uncertain significance. Last evaluated: 2023-04-25. Review status: criteria provided, single submitter. Criteria: GeneDx Variant Classification Process June 2021. Collection method: clinical testing. Allele origin: germline.
Comment: Not observed at significant frequency in large population cohorts (gnomAD); In silico analysis supports that this missense variant has a deleterious effect on protein structure/function; Has not been previously published as pathogenic or benign to our knowledge; Variants in candidate genes are classified as variants of uncertain significance in accordance with ACMG guidelines (Richards et al., 2015)